The following is an entry in ClinVar:

NM_001360016.2(G6PD):c.-25A>G

Genes: G6PD (glucose-6-phosphate dehydrogenase; minus strand), IKBKG (inhibitor of nuclear factor kappa B kinase regulatory subunit gamma; plus strand), LOC107181288 (origin of replication in promoter of G6PD; plus strand), LOC129929052 (ATAC-STARR-seq lymphoblastoid silent region 21114; plus strand). Cytogenetic location: Xq28.
Variant type: single nucleotide variant.
Coding change: c.-25A>G on transcript NM_001360016.2 (MANE Select); 25 bases upstream of the start codon, A replaced by G.
Molecular consequence: 5 prime UTR variant. On other transcripts: synonymous variant (1), intron variant (5).
Genome position (GRCh38, 1-based): chrX:154,546,805, T>C on the plus strand (A>G on the coding strand, the complement: G6PD is on the minus strand). VCF-style: chrX-154546805-T-C. GRCh37 (hg19) VCF-style: chrX-153775020-T-C.
Other names: c.66A>G, p.Arg22= (NM_000402.4); c.-8-642A>G (NM_001042351.3); c.-15-5183T>C (NM_001377312.1, NM_001377313.1); c.189+4353T>C (NM_001099856.6); c.-16+4418T>C (NM_001321396.3).
Identifiers: ClinVar variation 3898413 (VCV003898413.7).
Genomic context (GRCh38, chrX:154,546,805, plus strand): 5'-ACAGTACGCTCCTCCGCCTGCGCGGCGCCCGCCCGGCCGGTTACCTGCGCTTCGTCGTCG[T>C]CGCCCTCCGCGCTCGCAGCCCCGAAGTGTACGACCGTTTCCGGGGGCTGAGCCCCGCCGG-3'

ClinVar aggregate classification (germline): Likely benign (1 of 4 stars; one submission).

gnomAD v4.1: 29 of 1,161,888 alleles (0.0025%); highest among the groups gnomAD compares: Non-Finnish European, 0.0031%; no homozygotes.

Submission:

CeGaT Center for Human Genetics Tuebingen
Classification: Likely benign. Last evaluated: 2025-04-01. Review status: criteria provided, single submitter. Criteria: CeGaT Center For Human Genetics Tuebingen Variant Classification Criteria Version 2. Collection method: clinical testing. Allele origin: germline. Affected: yes. Observed: 1 variant allele.
Comment: G6PD: BP4, BP7, BS2